The following is an entry in ClinVar:

NM_006031.6(PCNT):c.8509A>G (p.Lys2837Glu)

Gene: PCNT (pericentrin; plus strand). Cytogenetic location: 21q22.3.
Variant type: single nucleotide variant.
Coding change: c.8509A>G on transcript NM_006031.6 (MANE Select); coding-DNA position 8509, A replaced by G.
Protein change: p.Lys2837Glu; replaces lysine 2837 with glutamic acid.
Molecular consequence: missense variant.
Genome position (GRCh38, 1-based): chr21:46,431,973, A>G. VCF-style: chr21-46431973-A-G. GRCh37 (hg19) VCF-style: chr21-47851887-A-G.
Other names: c.8155A>G, p.Lys2719Glu (NM_001315529.2); short protein forms K2719E, K2837E.
Identifiers: ClinVar variation 3415870 (VCV003415870.4).
Genomic context (GRCh38, chr21:46,431,973, plus strand): 5'-CATTCTCAGCAGCAGCTTGAGGCTGAGGCTCAGAAGCACTGTGAGGCGCTCAGGAGAGAG[A>G]AGGAGGTAAGTGCCACACTGAAGTCGACGGTGGAAGCCCTGCACACCCAAAAACGAGAGC-3'
Protein context (NP_006022.3, residues 2827-2847): QKHCEALRRE[Lys2837Glu]EVSATLKSTV

ClinVar aggregate classification (germline): Uncertain significance. Review status: criteria provided, multiple submitters, no conflicts (2 of 4 stars). 2 submissions from 2 submitters: Uncertain significance (2). Last evaluated 2026-08-27.

Conditions:
Inborn genetic diseases. Identifiers: MedGen C0950123, MeSH D030342.

gnomAD v4.1: 27 of 1,613,952 alleles (0.0017%); highest among the groups gnomAD compares: South Asian, 0.029%; no homozygotes.

Submissions (2):

Ambry Genetics
Classification: Uncertain significance for Inborn genetic diseases. Last evaluated: 2026-08-27. Review status: criteria provided, single submitter. Criteria: Ambry Variant Classification Scheme 2023. Collection method: clinical testing. Allele origin: germline.
Comment: The c.8509A>G (p.K2837E) alteration is located in exon 38 (coding exon 38) of the PCNT gene. This alteration results from a A to G substitution at nucleotide position 8509, causing the lysine (K) at amino acid position 2837 to be replaced by a glutamic acid (E). Based on data from gnomAD, the G allele has an overall frequency of 0.005% (12/250788) total alleles studied. The highest observed frequency was 0.039% (12/30614) of South Asian alleles. Based on insufficient or conflicting evidence, the clinical significance of this alteration remains unclear.

Labcorp Genetics (formerly Invitae), Labcorp
Classification: Uncertain significance. Last evaluated: 2024-10-17. Review status: criteria provided, single submitter. Criteria: Invitae Variant Classification Sherloc (09022015). Collection method: clinical testing. Allele origin: germline.
Comment: This sequence change replaces lysine, which is basic and polar, with glutamic acid, which is acidic and polar, at codon 2837 of the PCNT protein (p.Lys2837Glu). This variant is present in population databases (rs771959458, gnomAD 0.04%). This variant has not been reported in the literature in individuals affected with PCNT-related conditions. An algorithm developed to predict the effect of missense changes on protein structure and function (PolyPhen-2) suggests that this variant is likely to be disruptive. In summary, the available evidence is currently insufficient to determine the role of this variant in disease. Therefore, it has been classified as a Variant of Uncertain Significance.